The following is an entry in ClinVar:

NC_000017.10:g.(41234593_41242960)_(41277382_?)del

Gene: BRCA1 (BRCA1 DNA repair associated; minus strand). Cytogenetic location: 17q21.31.
Variant type: Deletion.
Identifiers: ClinVar variation 3251452 (VCV003251452.1).

ClinVar aggregate classification (germline): Pathogenic (1 of 4 stars; one submission).

Conditions:
Hereditary breast ovarian cancer syndrome. Also called: Hereditary breast and ovarian cancer syndrome (HBOC); Breast and ovarian cancer; BRCA1- and BRCA2-Associated Hereditary Breast and Ovarian Cancer; Hereditary breast and ovarian cancer; Hereditary breast and ovarian cancer syndrome; Hereditary breast and/or ovarian cancer syndrome. Identifiers: Orphanet 145, MedGen C0677776, MeSH D061325, MONDO:0003582. Disease mechanism: loss of function.

Submission:

Women's Health and Genetics/Laboratory Corporation of America, LabCorp
Classification: Pathogenic for Hereditary breast ovarian cancer syndrome. Last evaluated: 2024-04-08. Review status: criteria provided, single submitter. Criteria: LabCorp Variant Classification Summary - May 2015. Collection method: clinical testing. Allele origin: germline.
Comment: Variant summary: The variant involves the deletion of exons 1-11 in the BRCA1 gene. A presumed nomenclature of c.(?_-114)_(4185+1_4186-1)del has been designated for the purposes of this classification. The exact breakpoint at the 5' end of this variant is unknown, therefore this deletion may extend upstream of the annotated region of this gene. Although the exact breakpoints of this deletion are not known, it is predicted to remove the initiation codon and result in an absence of protein or a truncation of the encoded protein due to translation initiation at a downstream site. The variant was absent in 20948 control chromosomes in the gnomAD database (Structural Variants v2.1 dataset). The deletion of exons 1-11 (aka. exons 1-12 deletion) has been reported in the literature in multiple individuals and families affected with Hereditary Breast And Ovarian Cancer Syndrome (e.g. McVeigh_2017, Rebbeck_2018). These data indicate that the variant is very likely to be associated with disease. To our knowledge, no experimental evidence demonstrating an impact on protein function has been reported. The following publications have been ascertained in the context of this evaluation (PMID: 28595730, 29446198). ClinVar contains at least two entries for this variant (Variation IDs: 583429, 373885). Based on the evidence outlined above, the variant was classified as pathogenic.

Literature cited by the submitters: PubMed 29446198; PubMed 28595730.